The following is an entry in ClinVar:

ClinVar aggregate classification (germline): Uncertain significance (1 of 4 stars; one submission).

Allele frequency attached by ClinVar (database versions not stated): TOPMed below 0.00001.
gnomAD v4.1: 2 of 1,613,664 alleles (0.00012%); highest among the groups gnomAD compares: Admixed American, 0.0017%; no homozygotes.

Submission:

Labcorp Genetics (formerly Invitae), Labcorp
Classification: Uncertain significance. Last evaluated: 2022-09-02. Review status: criteria provided, single submitter. Criteria: Invitae Variant Classification Sherloc (09022015). Collection method: clinical testing. Allele origin: germline.
Comment: This sequence change replaces serine, which is neutral and polar, with cysteine, which is neutral and slightly polar, at codon 181 of the DMRT2 protein (p.Ser181Cys). This variant is not present in population databases (gnomAD no frequency). This variant has not been reported in the literature in individuals affected with DMRT2-related conditions. Algorithms developed to predict the effect of missense changes on protein structure and function are either unavailable or do not agree on the potential impact of this missense change (SIFT: "Deleterious"; PolyPhen-2: "Possibly Damaging"; Align-GVGD: "Class C15"). In summary, the available evidence is currently insufficient to determine the role of this variant in disease. Therefore, it has been classified as a Variant of Uncertain Significance.

NM_181872.6(DMRT2):c.542C>G (p.Ser181Cys)

Gene: DMRT2 (doublesex and mab-3 related transcription factor 2; plus strand). Cytogenetic location: 9p24.3.
Variant type: single nucleotide variant.
Coding change: c.542C>G on transcript NM_181872.6 (MANE Select); coding-DNA position 542, C replaced by G.
Protein change: p.Ser181Cys; replaces serine 181 with cysteine.
Molecular consequence: missense variant. On other transcripts: 5 prime UTR variant (1), non-coding transcript variant (1).
Genome position (GRCh38, 1-based): chr9:1,053,738, C>G. VCF-style: chr9-1053738-C-G. GRCh37 (hg19) VCF-style: chr9-1053738-C-G.
Other names: c.542C>G, p.Ser181Cys (NM_001130865.3, NM_001370531.1, NM_001370533.1 and 4 more transcripts); c.20C>G, p.Ser7Cys (NM_001370532.1); c.-158C>G (NM_001387560.1); short protein forms S7C, S181C.
Identifiers: ClinVar variation 1994816 (VCV001994816.4), dbSNP rs1821775339, ClinGen allele CA372774705.